The following is an entry in ClinVar:

NM_000077.5(CDKN2A):c.458-83G>A

Gene: CDKN2A (cyclin dependent kinase inhibitor 2A; minus strand). Cytogenetic location: 9p21.3.
Variant type: single nucleotide variant.
Coding change: c.458-83G>A on transcript NM_000077.5 (MANE Select); 83 bases into the intron before coding-DNA position 458, G replaced by A.
Molecular consequence: intron variant.
Genome position (GRCh38, 1-based): chr9:21,968,325, C>T on the plus strand (G>A on the coding strand, the complement: CDKN2A is on the minus strand). VCF-style: chr9-21968325-C-T. GRCh37 (hg19) VCF-style: chr9-21968324-C-T.
Other names: c.305-83G>A (NM_001363763.2); c.*102-83G>A (NM_058195.4); c.*151-83G>A (NM_001195132.2); c.*381-83G>A (NM_058197.5).
Identifiers: ClinVar variation 4294120 (VCV004294120.1).

ClinVar aggregate classification (germline): Benign (1 of 4 stars; one submission).

Conditions:
Melanoma-pancreatic cancer syndrome. Identifiers: Orphanet 404560, MedGen C1838547, MONDO:0011713, OMIM 606719. Disease mechanism: loss of function.

gnomAD v4.1: 1,881 of 1,548,272 alleles (0.12%); highest among the groups gnomAD compares: South Asian, 2%; 29 homozygotes.

Submission:

Myriad Genetics, Inc.
Classification: Benign for Melanoma-pancreatic cancer syndrome. Last evaluated: 2025-08-15. Review status: criteria provided, single submitter. Criteria: Myriad Autosomal Dominant, Autosomal Recessive and X-Linked Classification Criteria (2023). Collection method: clinical testing. Allele origin: unknown.
Comment: This variant is considered benign. This variant is intronic and is not expected to impact mRNA splicing.